The following is an entry in ClinVar:

ClinVar aggregate classification (germline): Likely pathogenic (1 of 4 stars; one submission).

Allele frequency attached by ClinVar (database versions not stated): TOPMed below 0.00001; gnomAD 0.00001.
gnomAD v4.1: 4 of 1,614,034 alleles (0.00025%); highest among the groups gnomAD compares: Non-Finnish European, 0.00034%; no homozygotes.

Submission:

GeneDx
Classification: Likely pathogenic. Last evaluated: 2026-01-29. Review status: criteria provided, single submitter. Criteria: GeneDx Variant Classification Process June 2021. Collection method: clinical testing. Allele origin: germline. Affected: yes.
Comment: Has not been previously published as pathogenic or benign to our knowledge; In silico analysis supports that this missense variant has a deleterious effect on protein structure/function; Not observed at significant frequency in large population cohorts (gnomAD)

NM_004750.5(CRLF1):c.616C>T (p.Pro206Ser)

Gene: CRLF1 (cytokine receptor like factor 1; minus strand). Cytogenetic location: 19p13.11.
Variant type: single nucleotide variant.
Coding change: c.616C>T on transcript NM_004750.5 (MANE Select); coding-DNA position 616, C replaced by T.
Protein change: p.Pro206Ser; replaces proline 206 with serine.
Molecular consequence: missense variant.
Genome position (GRCh38, 1-based): chr19:18,598,513, G>A on the plus strand (C>T on the coding strand, the complement: CRLF1 is on the minus strand). VCF-style: chr19-18598513-G-A. GRCh37 (hg19) VCF-style: chr19-18709323-G-A.
Other names: short protein forms P206S.
Identifiers: ClinVar variation 1311118 (VCV001311118.3), dbSNP rs1420771120, ClinGen allele CA404851284.